The following is an entry in ClinVar:

ClinVar aggregate classification (germline): Uncertain significance. Review status: criteria provided, multiple submitters, no conflicts (2 of 4 stars). 2 submissions from 2 submitters: Uncertain significance (2). Last evaluated 2024-12-03.

Conditions:
Megaloblastic anemia, thiamine-responsive, with diabetes mellitus and sensorineural deafness (TRMA). Also called: THIAMINE-RESPONSIVE ANEMIA SYNDROME; THIAMINE-RESPONSIVE MYELODYSPLASIA; THIAMINE METABOLISM DYSFUNCTION SYNDROME 1 (MEGALOBLASTIC ANEMIA, DIABETES MELLITUS, AND DEAFNESS TYPE); ROGERS SYNDROME; Thiamine-Responsive Megaloblastic Anemia Syndrome. Identifiers: Orphanet 49827, MedGen C0342287, MONDO:0009575, OMIM 249270.

Submissions (3):

GeneDx
Classification: Uncertain significance. Last evaluated: 2024-12-03. Review status: criteria provided, single submitter. Criteria: GeneDx Variant Classification Process June 2021. Collection method: clinical testing. Allele origin: germline. Affected: yes.
Comment: Not observed at significant frequency in large population cohorts (gnomAD); In silico analysis supports a deleterious effect on splicing; Has not been previously published as pathogenic or benign to our knowledge

Fulgent Genetics
Classification: Uncertain significance for Megaloblastic anemia, thiamine-responsive, with diabetes mellitus and sensorineural deafness. Last evaluated: 2024-06-15. Review status: criteria provided, single submitter. Criteria: ACMG Guidelines, 2015. Collection method: clinical testing. Allele origin: germline.

Dr. Peter K. Rogan Lab, Western University
No classification provided (evidence only). Condition: Pancreatic adenocarcinoma. Review status: no classification provided. Collection method: in vitro. Allele origin: not applicable. Functional consequence: skipped exon. Not counted in ClinVar's aggregate classification.

NM_006996.3(SLC19A2):c.807G>A (p.Pro269=)

Gene: SLC19A2 (solute carrier family 19 member 2; minus strand). Cytogenetic location: 1q24.2.
Variant type: single nucleotide variant.
Coding change: c.807G>A on transcript NM_006996.3 (MANE Select); coding-DNA position 807, G replaced by A.
Protein change: p.Pro269=; no amino-acid change (proline 269 retained).
Molecular consequence: synonymous variant. On other transcripts: intron variant (1).
Genome position (GRCh38, 1-based): chr1:169,477,155, C>T on the plus strand (G>A on the coding strand, the complement: SLC19A2 is on the minus strand). VCF-style: chr1-169477155-C-T. GRCh37 (hg19) VCF-style: chr1-169446393-C-T.
Other names: NC_000001.10:g.169446393C>T; c.807G>A (NM_006996.2); c.205-6969G>A (NM_001319667.1).
Identifiers: ClinVar variation 3600024 (VCV003600024.3).
Genomic context (GRCh38, chr1:169,477,155, plus strand): 5'-TTTTCACCACGGGTCCAGCCCCCATAGTAGCAATTACAAGATATTTAAGGCTGAGCTTAC[C>T]GGTTCCTCCACGGGAGGCTCCTCCATATTTAGAGGGATTTTTGACTCAATGTCCTCCCAG-3'
Protein context (NP_008927.1, residues 259-279): LNMEEPPVEE[Pro269=]EPKPDRLLVL